The following is an entry in ClinVar:

ClinVar aggregate classification (germline): Uncertain significance (1 of 4 stars; one submission).

Conditions:
Hereditary cancer-predisposing syndrome. Also called: Tumor predisposition; Hereditary neoplastic syndrome; Hereditary Cancer Syndrome; Neoplastic Syndromes, Hereditary. Identifiers: Orphanet 140162, MedGen C0027672, MeSH D009386, MONDO:0015356.

Submission:

Ambry Genetics
Classification: Uncertain significance for Hereditary cancer-predisposing syndrome. Last evaluated: 2025-06-02. Review status: criteria provided, single submitter. Criteria: Ambry Variant Classification Scheme 2023. Collection method: clinical testing. Allele origin: germline.
Comment: The p.E715Q variant (also known as c.2143G>C), located in coding exon 14 of the PDGFRA gene, results from a G to C substitution at nucleotide position 2143. The glutamic acid at codon 715 is replaced by glutamine, an amino acid with highly similar properties. This amino acid position is conserved. In addition, the in silico prediction for this alteration is inconclusive. Based on the available evidence, the clinical significance of this variant remains unclear.

NM_006206.6(PDGFRA):c.2143G>C (p.Glu715Gln)

Gene: PDGFRA (platelet derived growth factor receptor alpha; plus strand). Cytogenetic location: 4q12.
Variant type: single nucleotide variant.
Coding change: c.2143G>C on transcript NM_006206.6 (MANE Select); coding-DNA position 2143, G replaced by C.
Protein change: p.Glu715Gln; replaces glutamic acid 715 with glutamine.
Molecular consequence: missense variant.
Genome position (GRCh38, 1-based): chr4:54,278,502, G>C. VCF-style: chr4-54278502-G-C. GRCh37 (hg19) VCF-style: chr4-55144669-G-C.
Other names: c.2143G>C, p.Glu715Gln (NM_001347827.2, NM_001347829.2); c.2218G>C, p.Glu740Gln (NM_001347828.2); c.2182G>C, p.Glu728Gln (NM_001347830.2); short protein forms E740Q, E728Q, E715Q.
Identifiers: ClinVar variation 3930229 (VCV003930229.1).